The following is an entry in ClinVar:

NM_000038.6(APC):c.7438C>T (p.Gln2480Ter)

Gene: APC (APC regulator of Wnt signaling pathway; plus strand). Cytogenetic location: 5q22.2.
Variant type: single nucleotide variant.
Coding change: c.7438C>T on transcript NM_000038.6 (MANE Select); coding-DNA position 7438, C replaced by T.
Protein change: p.Gln2480Ter; replaces glutamine 2480 with a stop codon.
Molecular consequence: nonsense.
Genome position (GRCh38, 1-based): chr5:112,843,032, C>T. VCF-style: chr5-112843032-C-T. GRCh37 (hg19) VCF-style: chr5-112178729-C-T.
Other names: c.7438C>T, p.Gln2480Ter (NM_001127510.3, NM_001354895.2); c.7384C>T, p.Gln2462Ter (NM_001127511.3); c.7492C>T, p.Gln2498Ter (NM_001354896.2); c.7468C>T, p.Gln2490Ter (NM_001354897.2); c.7363C>T, p.Gln2455Ter (NM_001354898.2); c.7354C>T, p.Gln2452Ter (NM_001354899.2); c.7315C>T, p.Gln2439Ter (NM_001354900.2); c.7261C>T, p.Gln2421Ter (NM_001354901.2); and 5 more; short protein forms Q2462*, Q2480*, Q2197*, Q2389*, Q2439*, Q2452*, Q2379*, Q2421*.
Identifiers: ClinVar variation 537540 (VCV000537540.16), dbSNP rs1554088359, ClinGen allele CA16037518.

ClinVar aggregate classification (germline): Pathogenic. Review status: criteria provided, multiple submitters, no conflicts (2 of 4 stars). 2 submissions from 2 submitters: Pathogenic (2). Last evaluated 2024-08-30.

Conditions:
Familial adenomatous polyposis 1 (FAP1). Also called: FAMILIAL ADENOMATOUS POLYPOSIS 1, ATTENUATED; POLYPOSIS, ADENOMATOUS INTESTINAL. Identifiers: MedGen C2713442, MONDO:0021056, OMIM 175100. Disease mechanism: loss of function.
Hereditary cancer-predisposing syndrome. Also called: Tumor predisposition; Hereditary Cancer Syndrome; Hereditary neoplastic syndrome; Neoplastic Syndromes, Hereditary. Identifiers: Orphanet 140162, MedGen C0027672, MeSH D009386, MONDO:0015356.

Submissions (2):

Labcorp Genetics (formerly Invitae), Labcorp
Classification: Pathogenic for Familial adenomatous polyposis 1. Last evaluated: 2024-08-30. Review status: criteria provided, single submitter. Criteria: Invitae Variant Classification Sherloc (09022015). Collection method: clinical testing. Allele origin: germline.
Comment: This sequence change creates a premature translational stop signal (p.Gln2480*) in the APC gene. While this is not anticipated to result in nonsense mediated decay, it is expected to disrupt the last 364 amino acid(s) of the APC protein. This variant is not present in population databases (gnomAD no frequency). This variant has not been reported in the literature in individuals affected with APC-related conditions. ClinVar contains an entry for this variant (Variation ID: 537540). This variant is expected to disrupt the EB1 and HDLG binding sites, which mediate interactions with the cytoskeleton (PMID: 15311282, 17293347). While functional studies have not been performed to directly test the effect on APC protein function, this suggests that disruption of the C-terminal portion of the protein is functionally important. A different truncation (p.Tyr2645Lysfs*14) that lies downstream of this variant has been determined to be pathogenic (PMID: 9824584, 1316610, 27081525, 8381579, 22135120, internal data). This suggests that deletion of this region of the APC protein is causative of disease. For these reasons, this variant has been classified as Pathogenic.

Ambry Genetics
Classification: Pathogenic for Hereditary cancer-predisposing syndrome. Last evaluated: 2019-07-16. Review status: criteria provided, single submitter. Criteria: Ambry Variant Classification Scheme 2023. Collection method: clinical testing. Allele origin: germline.
Comment: The p.Q2480* pathogenic mutation (also known as c.7438C>T), located in coding exon 15 of the APC gene, results from a C to T substitution at nucleotide position 7438. This changes the amino acid from a glutamine to a stop codon within coding exon 15. This alteration is expected to result in loss of function by premature protein truncation. As such, this alteration is interpreted as a disease-causing mutation.

Literature cited by the submitters: PubMed 15311282 (cited by Labcorp Genetics (formerly Invitae), Labcorp); PubMed 17293347 (cited by Labcorp Genetics (formerly Invitae), Labcorp); PubMed 9824584 (cited by Labcorp Genetics (formerly Invitae), Labcorp); PubMed 1316610 (cited by Labcorp Genetics (formerly Invitae), Labcorp); PubMed 27081525 (cited by Labcorp Genetics (formerly Invitae), Labcorp); PubMed 8381579 (cited by Labcorp Genetics (formerly Invitae), Labcorp); PubMed 22135120 (cited by Labcorp Genetics (formerly Invitae), Labcorp).